The following is an entry in ClinVar:

NM_018975.4(TERF2IP):c.956G>T (p.Arg319Leu)

Gene: TERF2IP (TERF2 interacting protein; plus strand). Cytogenetic location: 16q23.1.
Variant type: single nucleotide variant.
Coding change: c.956G>T on transcript NM_018975.4 (MANE Select); coding-DNA position 956, G replaced by T.
Protein change: p.Arg319Leu; replaces arginine 319 with leucine.
Molecular consequence: missense variant. On other transcripts: non-coding transcript variant (1).
Genome position (GRCh38, 1-based): chr16:75,656,367, G>T. VCF-style: chr16-75656367-G-T. GRCh37 (hg19) VCF-style: chr16-75690265-G-T.
Other names: short protein forms R319L.
Identifiers: ClinVar variation 1767418 (VCV001767418.2), dbSNP rs75741627, ClinGen allele CA396819949.

ClinVar aggregate classification (germline): Uncertain significance (1 of 4 stars; one submission).

Submission:

Ambry Genetics
Classification: Uncertain significance. Last evaluated: 2021-11-21. Review status: criteria provided, single submitter. Criteria: Ambry Variant Classification Scheme 2023. Collection method: clinical testing. Allele origin: germline.
Comment: The p.R319L variant (also known as c.956G>T), located in coding exon 3 of the TERF2IP gene, results from a G to T substitution at nucleotide position 956. The arginine at codon 319 is replaced by leucine, an amino acid with dissimilar properties. This amino acid position is conserved. In addition, this alteration is predicted to be tolerated by in silico analysis. Since supporting evidence is limited at this time, the clinical significance of this alteration remains unclear.